The following is an entry in ClinVar:

NM_001370298.3(FGD4):c.298G>T (p.Ala100Ser)

Gene: FGD4 (FYVE, RhoGEF and PH domain containing 4; plus strand). Cytogenetic location: 12p11.21.
Variant type: single nucleotide variant.
Coding change: c.298G>T on transcript NM_001370298.3 (MANE Select); coding-DNA position 298, G replaced by T.
Protein change: p.Ala100Ser; replaces alanine 100 with serine.
Molecular consequence: missense variant. On other transcripts: 5 prime UTR variant (11), non-coding transcript variant (1).
Genome position (GRCh38, 1-based): chr12:32,564,268, G>T. VCF-style: chr12-32564268-G-T. GRCh37 (hg19) VCF-style: chr12-32717202-G-T.
Other names: NM_001304480.1:c.223G>T; c.142G>T, p.Ala48Ser (NM_001304481.2); c.-958G>T (NM_001304483.2); c.-1265G>T (NM_001304484.2); c.-209G>T (NM_001330373.2, NM_001330374.2, NM_001384130.1); c.27G>T, p.Gln9His (NM_001370297.1); c.298G>T, p.Ala100Ser (NM_001384126.1); c.-114G>T (NM_001384127.1, NM_001384128.1, NM_001384131.1 and 3 more transcripts); short protein forms Q9H, A48S, A100S.
Identifiers: ClinVar variation 4986089 (VCV004986089.1).

ClinVar aggregate classification (germline): Uncertain significance (1 of 4 stars; one submission).

Conditions:
FGD4-related disorder. Also called: FGD4-related condition.

gnomAD v4.1: 49 of 1,535,968 alleles (0.0032%); highest among the groups gnomAD compares: Non-Finnish European, 0.004%; no homozygotes.

Submission:

PreventionGenetics, part of Exact Sciences
Classification: Uncertain significance for FGD4-related condition. Last evaluated: 2026-01-20. Review status: criteria provided, single submitter. Criteria: ACMG Guidelines, 2015. Collection method: clinical testing. Allele origin: germline.
Comment: The FGD4 c.223G>T variant is predicted to result in the amino acid substitution p.Ala75Ser. To our knowledge, this variant has not been reported in the literature. This variant is reported in 0.0036% of alleles in individuals of European (Non-Finnish) descent in gnomAD. At this time, the clinical significance of this variant is uncertain due to the absence of conclusive functional and genetic evidence.